The following is an entry in ClinVar:

NM_031407.7(HUWE1):c.8300C>T (p.Ser2767Phe)

Gene: HUWE1 (HECT, UBA and WWE domain containing E3 ubiquitin protein ligase 1; minus strand). Cytogenetic location: Xp11.22.
Variant type: single nucleotide variant.
Coding change: c.8300C>T on transcript NM_031407.7 (MANE Select); coding-DNA position 8300, C replaced by T.
Protein change: p.Ser2767Phe; replaces serine 2767 with phenylalanine.
Molecular consequence: missense variant.
Genome position (GRCh38, 1-based): chrX:53,554,827, G>A on the plus strand (C>T on the coding strand, the complement: HUWE1 is on the minus strand). VCF-style: chrX-53554827-G-A. GRCh37 (hg19) VCF-style: chrX-53581788-G-A.
Other names: short protein forms S2767F.
Identifiers: ClinVar variation 1214337 (VCV001214337.3), dbSNP rs1473704881, ClinGen allele CA413149924.
Genomic context (GRCh38, chrX:53,554,827, plus strand): 5'-AGCTCCTGAGGAACCTCTCCCAAAGCTGGTGGGGTTGGGAGTGTTGGTTGCTGTTGTGAG[G>A]ATTGCAGAGTGCCAAGGGTCTCCTTGGACTCAGATGTAGCTGCATCAGTTGAAGATGGGG-3'
Protein context (NP_113584.3, residues 2757-2777): ESKETLGTLQ[Ser2767Phe]SQQQPTLPTP

ClinVar aggregate classification (germline): Uncertain significance (1 of 4 stars; one submission).

Allele frequency attached by ClinVar (database versions not stated): gnomAD 0.00001; TOPMed 0.00001.
gnomAD v4.1: 2 of 1,208,818 alleles (0.00017%); highest among the groups gnomAD compares: Non-Finnish European, 0.00022%; no homozygotes.

Submission:

GeneDx
Classification: Uncertain significance. Last evaluated: 2019-12-26. Review status: criteria provided, single submitter. Criteria: GeneDx Variant Classification Process June 2021. Collection method: clinical testing. Allele origin: germline. Affected: yes.
Comment: In silico analysis, which includes protein predictors and evolutionary conservation, supports that this variant does not alter protein structure/function; Has not been previously published as pathogenic or benign to our knowledge